The following is an entry in ClinVar:

NM_000540.3(RYR1):c.9086G>C (p.Gly3029Ala)

Gene: RYR1 (ryanodine receptor 1; plus strand). Cytogenetic location: 19q13.2.
Variant type: single nucleotide variant.
Coding change: c.9086G>C on transcript NM_000540.3 (MANE Select); coding-DNA position 9086, G replaced by C.
Protein change: p.Gly3029Ala; replaces glycine 3029 with alanine.
Molecular consequence: missense variant.
Genome position (GRCh38, 1-based): chr19:38,510,745, G>C. VCF-style: chr19-38510745-G-C. GRCh37 (hg19) VCF-style: chr19-39001385-G-C.
Other names: c.9086G>C, p.Gly3029Ala (NM_001042723.2); short protein forms G3029A.
Identifiers: ClinVar variation 4756135 (VCV004756135.1).
Genomic context (GRCh38, chr19:38,510,745, plus strand): 5'-ACTTCACCAACCACTGCCTCTATTTCTTGTCCACTCCGGCTAAAGTGCTGGGCAGCGGTG[G>C]CCACGCCTCTAACAAGGAGAAGGAAATGATCACCAGGTGGGCCGCCTGTGACCCTGGACC-3'
Protein context (NP_000531.2, residues 3019-3039): STPAKVLGSG[Gly3029Ala]HASNKEKEMI

ClinVar aggregate classification (germline): Uncertain significance (1 of 4 stars; one submission).

Conditions:
Malignant hyperthermia, susceptibility to, 1 (MHS1). Also called: RYR1-Related Malignant Hyperthermia Susceptibility; Malignant hyperthermia suceptibility 1; Anesthesia related hyperthermia; Malignant hyperpyrexia; Fulminating hyperpyrexia; Pharmacogenic myopathy. Identifiers: Orphanet 423, MedGen C2930980, MONDO:0007783, OMIM 145600.

Submission:

Color Diagnostics, LLC DBA Color Health
Classification: Uncertain significance for Malignant hyperthermia, susceptibility to, 1. Last evaluated: 2025-09-01. Review status: criteria provided, single submitter. Criteria: ACMG Guidelines, 2015. Collection method: clinical testing. Allele origin: germline.
Comment: This missense variant replaces glycine with alanine at codon 3029 of the RYR1 protein. Computational prediction suggests that this variant may not impact protein structure and function. To our knowledge, functional studies have not been reported for this variant. This variant has not been reported in individuals affected with RYR1-related disorders in the literature. This variant has not been identified in the general population by the Genome Aggregation Database (gnomAD). The available evidence is insufficient to determine the role of this variant in disease conclusively. Therefore, this variant is classified as a Variant of Uncertain Significance.